The following is an entry in ClinVar:

NM_006580.4(CLDN16):c.*2098T>G

Gene: CLDN16 (claudin 16; plus strand). Cytogenetic location: 3q28.
Variant type: single nucleotide variant.
Coding change: c.*2098T>G on transcript NM_006580.4 (MANE Select); 2098 bases downstream of the stop codon, T replaced by G.
Molecular consequence: 3 prime UTR variant.
Genome position (GRCh38, 1-based): chr3:190,412,134, T>G. VCF-style: chr3-190412134-T-G. GRCh37 (hg19) VCF-style: chr3-190129923-T-G.
Other names: c.*2098T>G (NM_001378492.1, NM_001378493.1).
Identifiers: ClinVar variation 344476 (VCV000344476.6), dbSNP rs187708101, ClinGen allele CA10618276.
Genomic context (GRCh38, chr3:190,412,134, plus strand): 5'-ATGATGATAATGGATATGTGTGACTGTTTTGAATTTTTTTCTCAATTAAAACATTTTGTA[T>G]GTAATGGGAGGAATGTCAAGATTTGTTTTTTTAATTTATTTGAAACATTCATTTCTAATT-3'

ClinVar aggregate classification (germline): Benign. Review status: criteria provided, multiple submitters, no conflicts (2 of 4 stars). 2 submissions from 2 submitters: Benign (2). Last evaluated 2018-01-13.

Conditions:
Primary hypomagnesemia (HOMG3). Also called: HYPOMAGNESEMIA 3, RENAL; HYPOMAGNESEMIA, FAMILIAL, WITH HYPERCALCIURIA AND NEPHROCALCINOSIS; HYPOMAGNESEMIA, ISOLATED RENAL; HYPOMAGNESEMIA, PRIMARY, DUE TO DEFECT IN RENAL TUBULAR TRANSPORT OF MAGNESIUM. Identifiers: Orphanet 31043, MedGen C0268448, MONDO:0009550, OMIM 248250.

Allele frequency attached by ClinVar (database versions not stated): gnomAD 0.00276 and 0.00449; TOPMed 0.00341; 1000 Genomes Project 30x 0.01249; 1000 Genomes Project 0.01318.

Submissions (2):

Illumina Laboratory Services, Illumina
Classification: Benign for Primary hypomagnesemia. Last evaluated: 2018-01-13. Review status: criteria provided, single submitter. Criteria: ICSL Variant Classification Criteria 13 December 2019. Collection method: clinical testing. Allele origin: germline.
Comment: This variant was observed in the ICSL laboratory as part of a predisposition screen in an ostensibly healthy population. It had not been previously curated by ICSL or reported in the Human Gene Mutation Database (HGMD: prior to June 1st, 2018), and was therefore a candidate for classification through an automated scoring system. Utilizing variant allele frequency, disease prevalence and penetrance estimates, and inheritance mode, an automated score was calculated to assess if this variant is too frequent to cause the disease. Based on the score and internal cut-off values, a variant classified as benign is not then subjected to further curation. The score for this variant resulted in a classification of benign for this disease.

Breakthrough Genomics
Classification: Benign. Review status: criteria provided, single submitter. Criteria: ACMG Guidelines, 2015. Collection method: not provided. Allele origin: germline. Inheritance: Autosomal recessive inheritance. Affected: yes.